The following is an entry in ClinVar:

ClinVar aggregate classification (germline): Uncertain significance (1 of 4 stars; one submission).

Conditions:
Emery-Dreifuss muscular dystrophy 5, autosomal dominant (EDMD5). Also called: EMERY-DREIFUSS MUSCULAR DYSTROPHY 5. Identifiers: Orphanet 261, MedGen C2751805, MONDO:0013072, OMIM 612999.

Allele frequency attached by ClinVar (database versions not stated): gnomAD exomes below 0.00001; ExAC 0.00001.
gnomAD v4.1: 1 of 1,607,776 alleles (0.000062%); highest among the groups gnomAD compares: Non-Finnish European, 0.000085%; no homozygotes.

Submissions (2):

Labcorp Genetics (formerly Invitae), Labcorp
Classification: Uncertain significance for Emery-Dreifuss muscular dystrophy 5, autosomal dominant. Last evaluated: 2019-12-12. Review status: criteria provided, single submitter. Criteria: Invitae Variant Classification Sherloc (09022015). Collection method: clinical testing. Allele origin: germline.
Comment: This sequence change falls in intron 2 of the SYNE2 gene. It does not directly change the encoded amino acid sequence of the SYNE2 protein, but it affects a nucleotide within the consensus splice site of the intron. This variant is present in population databases (rs760448281, ExAC 0.001%). This variant has not been reported in the literature in individuals with SYNE2-related conditions. Nucleotide substitutions within the consensus splice site are a relatively common cause of aberrant splicing (PMID: 17576681, 9536098). Algorithms developed to predict the effect of sequence changes on RNA splicing suggest that this variant may disrupt the consensus splice site, but this prediction has not been confirmed by published transcriptional studies. In summary, the available evidence is currently insufficient to determine the role of this variant in disease. Therefore, it has been classified as a Variant of Uncertain Significance.

Dr. Peter K. Rogan Lab, Western University
No classification provided (evidence only). Condition: Melanoma. Review status: no classification provided. Collection method: in vitro. Allele origin: not applicable. Functional consequence: retained intron. Not counted in ClinVar's aggregate classification.

Literature cited by the submitters: PubMed 17576681 (cited by Labcorp Genetics (formerly Invitae), Labcorp); PubMed 9536098 (cited by Labcorp Genetics (formerly Invitae), Labcorp).

NM_182914.3(SYNE2):c.79+3A>T

Gene: SYNE2 (spectrin repeat containing nuclear envelope protein 2; plus strand). Cytogenetic location: 14q23.2.
Variant type: single nucleotide variant.
Coding change: c.79+3A>T on transcript NM_182914.3 (MANE Select); 3 bases into the intron after coding-DNA position 79, A replaced by T.
Molecular consequence: intron variant.
Genome position (GRCh38, 1-based): chr14:63,909,230, A>T. VCF-style: chr14-63909230-A-T. GRCh37 (hg19) VCF-style: chr14-64375948-A-T.
Other names: c.79+3A>T (NM_015180.6).
Identifiers: ClinVar variation 862180 (VCV000862180.8), dbSNP rs760448281, ClinGen allele CA7218974.
Genomic context (GRCh38, chr14:63,909,230, plus strand): 5'-CCCACCGAAGATGAACAGGGTTCCTGGGGCATCGACGATCTCCATATTTCATTGCAAGGT[A>T]ATTAAGATTGGGTGGGGGTAACACCCACAGAAACTGGGGAAACCTTACTTTTATCTAGTT-3'